The following is an entry in ClinVar:

NM_020066.5(FMN2):c.3000G>T (p.Pro1000=)

Gene: FMN2 (formin 2; plus strand). Cytogenetic location: 1q43.
Variant type: single nucleotide variant.
Coding change: c.3000G>T on transcript NM_020066.5 (MANE Select); coding-DNA position 3000, G replaced by T.
Protein change: p.Pro1000=; no amino-acid change (proline 1000 retained).
Molecular consequence: synonymous variant. On other transcripts: intron variant (1).
Genome position (GRCh38, 1-based): chr1:240,207,812, G>T. VCF-style: chr1-240207812-G-T. GRCh37 (hg19) VCF-style: chr1-240371112-G-T.
Other names: c.3012G>T, p.Pro1004= (NM_001305424.2); c.1986+19550G>T (NM_001348094.2).
Identifiers: ClinVar variation 3056508 (VCV003056508.2), dbSNP rs71646889, ClinGen allele CA1476975.

ClinVar aggregate classification (germline): Benign. Review status: criteria provided, multiple submitters, no conflicts (2 of 4 stars). 2 submissions from 2 submitters: Benign (2). Last evaluated 2024-11-26.

Conditions:
FMN2-related disorder. Also called: FMN2-related condition.

Allele frequency attached by ClinVar (database versions not stated): gnomAD 0.05454; gnomAD exomes 0.15673; 1000 Genomes Project 0.26777.
gnomAD v4.1: 32,725 of 208,940 alleles (16%); highest among the groups gnomAD compares: East Asian, 28%; 1,753 homozygotes.

Submissions (2):

Blueprint Genetics
Classification: Benign. Last evaluated: 2024-11-26. Review status: criteria provided, single submitter. Criteria: ACMG Guidelines, 2015. Collection method: clinical testing. Allele origin: germline.

PreventionGenetics, part of Exact Sciences
Classification: Benign for FMN2-related condition. Last evaluated: 2019-03-14. Review status: criteria provided, single submitter. Criteria: ACMG Guidelines, 2015. Collection method: clinical testing. Allele origin: germline.
Comment: This variant is classified as benign based on ACMG/AMP sequence variant interpretation guidelines (Richards et al. 2015 PMID: 25741868, with internal and published modifications).